The following is an entry in ClinVar:

NM_002948.5(RPL15):c.304G>C (p.Ala102Pro)

Genes: NKIRAS1 (NFKB inhibitor interacting Ras like 1; minus strand), RPL15 (ribosomal protein L15; plus strand). Cytogenetic location: 3p24.2.
Variant type: single nucleotide variant.
Coding change: c.304G>C on transcript NM_002948.5 (MANE Select); coding-DNA position 304, G replaced by C.
Protein change: p.Ala102Pro; replaces alanine 102 with proline.
Molecular consequence: missense variant. On other transcripts: intron variant (1).
Genome position (GRCh38, 1-based): chr3:23,918,571, G>C. VCF-style: chr3-23918571-G-C. GRCh37 (hg19) VCF-style: chr3-23960062-G-C.
Other names: c.304G>C, p.Ala102Pro (NM_001253379.2, NM_001253380.2, NM_001253382.2 and 2 more transcripts); c.-139-7121C>G (NM_001377380.1); short protein forms A102P.
Identifiers: ClinVar variation 2812478 (VCV002812478.3), dbSNP rs2471221620, ClinGen allele CA351881826.

ClinVar aggregate classification (germline): Uncertain significance (1 of 4 stars; one submission).

Submission:

Labcorp Genetics (formerly Invitae), Labcorp
Classification: Uncertain significance. Last evaluated: 2022-12-21. Review status: criteria provided, single submitter. Criteria: Invitae Variant Classification Sherloc (09022015). Collection method: clinical testing. Allele origin: germline.
Comment: Algorithms developed to predict the effect of missense changes on protein structure and function are either unavailable or do not agree on the potential impact of this missense change (SIFT: "Deleterious"; PolyPhen-2: "Benign"; Align-GVGD: "Class C0"). This variant has not been reported in the literature in individuals affected with RPL15-related conditions. This variant is not present in population databases (gnomAD no frequency). This sequence change replaces alanine, which is neutral and non-polar, with proline, which is neutral and non-polar, at codon 102 of the RPL15 protein (p.Ala102Pro). In summary, the available evidence is currently insufficient to determine the role of this variant in disease. Therefore, it has been classified as a Variant of Uncertain Significance.